The following is an entry in ClinVar:

ClinVar aggregate classification (germline): Uncertain significance (1 of 4 stars; one submission).

Conditions:
Cardiomyopathy (CMYO). Also called: Cardiomyopathies. Identifiers: Orphanet 167848, MedGen C0878544, MONDO:0004994, HP:0001638. Inheritance: Various modes of inheritance.

Allele frequency attached by ClinVar (database versions not stated): gnomAD exomes below 0.00001.
gnomAD v4.1: 2 of 1,614,246 alleles (0.00012%); highest among the groups gnomAD compares: South Asian, 0.0011%; no homozygotes.

Submission:

Color Diagnostics, LLC DBA Color Health
Classification: Uncertain significance for Cardiomyopathy. Last evaluated: 2024-03-06. Review status: criteria provided, single submitter. Criteria: ACMG Guidelines, 2015. Collection method: clinical testing. Allele origin: germline.
Comment: This missense variant replaces threonine with isoleucine at codon 1522 of the MYH7 protein. Computational prediction suggests that this variant may not impact protein structure and function (internally defined REVEL score threshold <= 0.5, PMID: 27666373). To our knowledge, functional studies have not been reported for this variant. This variant has not been reported in individuals affected with cardiovascular disorders in the literature. This variant has not been identified in the general population by the Genome Aggregation Database (gnomAD). The available evidence is insufficient to determine the role of this variant in disease conclusively. Therefore, this variant is classified as a Variant of Uncertain Significance.

NM_000257.4(MYH7):c.4565C>T (p.Thr1522Ile)

Genes: MHRT (myosin heavy chain associated RNA transcript; plus strand), MYH7 (myosin heavy chain 7; minus strand). Cytogenetic location: 14q11.2.
Variant type: single nucleotide variant.
Coding change: c.4565C>T on transcript NM_000257.4 (MANE Select); coding-DNA position 4565, C replaced by T.
Protein change: p.Thr1522Ile; replaces threonine 1522 with isoleucine.
Molecular consequence: missense variant. On other transcripts: non-coding transcript variant (1).
Genome position (GRCh38, 1-based): chr14:23,416,947, G>A on the plus strand (C>T on the coding strand, the complement: MYH7 is on the minus strand). VCF-style: chr14-23416947-G-A. GRCh37 (hg19) VCF-style: chr14-23886156-G-A.
Other names: short protein forms T1522I.
Identifiers: ClinVar variation 1332168 (VCV001332168.3), dbSNP rs2138644446, ClinGen allele CA389038129.